The following is an entry in ClinVar:

ClinVar aggregate classification (germline): Likely benign. Review status: criteria provided, single submitter (1 of 4 stars). 2 submissions from 2 submitters: Likely benign (1). 1 of the submissions does not count toward it. Last evaluated 2025-07-01.

Conditions:
Inborn genetic diseases. Identifiers: MedGen C0950123, MeSH D030342.
TRIO-related disorder. Also called: TRIO-related disorders; TRIO-related condition.

Allele frequency attached by ClinVar (database versions not stated): TOPMed below 0.00001; gnomAD 0.00003; gnomAD exomes 0.00004; ExAC 0.00006.
gnomAD v4.1: 57 of 1,614,100 alleles (0.0035%); highest among the groups gnomAD compares: South Asian, 0.04%; no homozygotes.

Submissions (2):

Ambry Genetics
Classification: Likely benign for Inborn genetic diseases. Last evaluated: 2025-07-01. Review status: criteria provided, single submitter. Criteria: Ambry Variant Classification Scheme 2023. Collection method: clinical testing. Allele origin: germline.

PreventionGenetics, part of Exact Sciences
Classification: Likely benign for TRIO-related condition. Last evaluated: 2022-06-30. Review status: no assertion criteria provided. Collection method: clinical testing. Allele origin: germline. Not counted in ClinVar's aggregate classification.
Comment: This variant is classified as likely benign based on ACMG/AMP sequence variant interpretation guidelines (Richards et al. 2015 PMID: 25741868, with internal and published modifications).

NM_007118.4(TRIO):c.5117C>T (p.Ala1706Val)

Gene: TRIO (trio Rho guanine nucleotide exchange factor; plus strand). Cytogenetic location: 5p15.2.
Variant type: single nucleotide variant.
Coding change: c.5117C>T on transcript NM_007118.4 (MANE Select); coding-DNA position 5117, C replaced by T.
Protein change: p.Ala1706Val; replaces alanine 1706 with valine.
Molecular consequence: missense variant. On other transcripts: non-coding transcript variant (1).
Genome position (GRCh38, 1-based): chr5:14,419,935, C>T. VCF-style: chr5-14419935-C-T. GRCh37 (hg19) VCF-style: chr5-14420044-C-T.
Other names: c.5117C>T (NM_007118.2); short protein forms A1706V.
Identifiers: ClinVar variation 3055086 (VCV003055086.3), dbSNP rs753125237, ClinGen allele CA3206670.